The following is an entry in ClinVar:

ClinVar aggregate classification (germline): Uncertain significance. Review status: criteria provided, single submitter (1 of 4 stars). 3 submissions from 3 submitters: Uncertain significance (1). 2 of the submissions do not count toward it. Last evaluated 2022-08-31.

Submissions (3):

Labcorp Genetics (formerly Invitae), Labcorp
Classification: Uncertain significance. Last evaluated: 2022-08-31. Review status: criteria provided, single submitter. Criteria: Invitae Variant Classification Sherloc (09022015). Collection method: clinical testing. Allele origin: germline.
Comment: This variant, c.715_717del, results in the deletion of 1 amino acid(s) of the LARP7 protein (p.Glu239del), but otherwise preserves the integrity of the reading frame. This variant is present in population databases (rs767770745, gnomAD 0.05%). This variant has not been reported in the literature in individuals affected with LARP7-related conditions. Experimental studies and prediction algorithms are not available or were not evaluated, and the functional significance of this variant is currently unknown. In summary, the available evidence is currently insufficient to determine the role of this variant in disease. Therefore, it has been classified as a Variant of Uncertain Significance.

Clinical Genetics DNA and cytogenetics Diagnostics Lab, Erasmus MC, Erasmus Medical Center
Classification: Uncertain significance. Review status: no assertion criteria provided. Collection method: clinical testing. Allele origin: germline. Affected: yes. Study: VKGL Data-share Consensus. Not counted in ClinVar's aggregate classification.

Laboratory of Diagnostic Genome Analysis, Leiden University Medical Center (LUMC)
Classification: Uncertain significance. Review status: no assertion criteria provided. Collection method: clinical testing. Allele origin: germline. Affected: yes. Study: VKGL Data-share Consensus. Not counted in ClinVar's aggregate classification.

NM_016648.4(LARP7):c.712GAA[1] (p.Glu239del)

Genes: LARP7 (La ribonucleoprotein 7, transcriptional regulator; plus strand), MIR302CHG (miR-302/367 cluster host gene; minus strand). Cytogenetic location: 4q25.
Variant type: Microsatellite.
Coding change: c.712GAA[1] on transcript NM_016648.4 (MANE Select); one copy of the 3-base unit GAA starting at c.712; the reference has two copies in a row; one copy, 3 bases deleted.
Protein change: p.Glu239del; deletes glutamic acid 239.
Molecular consequence: inframe deletion.
Genome position (GRCh38, 1-based): chr4:112,647,267-112,647,269, GAA deleted; deleting any 3 consecutive bases within chr4:112,647,262-112,647,269 gives the same sequence; the position shown is the placement nearest the transcript's 3' end. VCF-style (leftmost placement, unchanged base first): chr4-112647261-AAAG-A. GRCh37 (hg19) VCF-style: chr4-113568417-AAAG-A.
Other names: c.712GAA[1], p.Glu239del (NM_001267039.4, NM_001370974.1, NM_001370975.1 and 2 more transcripts); c.709GAA[1], p.Glu238del (NM_001370976.1, NM_001370977.1, NM_001370979.1 and 1 more transcripts); c.475GAA[1], p.Glu160del (NM_001370981.1, NM_001370982.1); short protein forms E160del, E238del, E239del.
Identifiers: ClinVar variation 1205982 (VCV001205982.5), dbSNP rs767770745, ClinGen allele CA3049246.
Genomic context (GRCh38, chr4:112,647,261, plus strand): 5'-GAGAAGAAAAAGAAAAAGAAGAAGAAAGGCCGAATGAAAAAGGAAGACAATATCCAAGCC[AAAG>A]AAGAAAACATGGACACAAGCAACACCAGCATCAGTAAAATGAAAAGATCCAGACCCACAT-3'